The following is an entry in ClinVar:

ClinVar aggregate classification (germline): Pathogenic/Likely pathogenic. Review status: criteria provided, multiple submitters, no conflicts (2 of 4 stars). 3 submissions from 3 submitters: Pathogenic (1); Likely pathogenic (2). Last evaluated 2025-04-30.

Conditions:
RTN4IP1-related disorder. Also called: RTN4IP1-related condition.
Optic atrophy 10 with or without ataxia, impaired intellectual development, and seizures. Also called: Optic atrophy 10 with or without ataxia, intellectual disability, and seizures; OPTIC ATROPHY 10 WITH OR WITHOUT ATAXIA, MENTAL RETARDATION, AND SEIZURES. Identifiers: MedGen C4225227, MONDO:0020737, OMIM 616732.

Allele frequency attached by ClinVar (database versions not stated): gnomAD 0.00003 and 0.00001; gnomAD exomes 0.00003 and 0.00005; TOPMed 0.00002; ExAC 0.00009.
gnomAD v4.1: 44 of 1,613,690 alleles (0.0027%); highest among the groups gnomAD compares: South Asian, 0.032%; no homozygotes.

Submissions (3):

Labcorp Genetics (formerly Invitae), Labcorp
Classification: Pathogenic. Last evaluated: 2025-04-30. Review status: criteria provided, single submitter. Criteria: Invitae Variant Classification Sherloc (09022015). Collection method: clinical testing. Allele origin: germline.
Comment: This sequence change creates a premature translational stop signal (p.Trp20*) in the RTN4IP1 gene. It is expected to result in an absent or disrupted protein product. Loss-of-function variants in RTN4IP1 are known to be pathogenic (PMID: 26593267). This variant is present in population databases (rs763048901, gnomAD 0.03%). This variant has not been reported in the literature in individuals affected with RTN4IP1-related conditions. ClinVar contains an entry for this variant (Variation ID: 1405046). For these reasons, this variant has been classified as Pathogenic.

Blueprint Genetics
Classification: Likely pathogenic for RTN4IP1-related disorders. Last evaluated: 2024-08-23. Review status: criteria provided, single submitter. Criteria: ACMG Guidelines, 2015. Collection method: clinical testing. Allele origin: germline. Affected: yes. Observed: 5 variant alleles.

Department of Pathology and Laboratory Medicine, Sinai Health System
Classification: Likely pathogenic for Optic atrophy 10 with or without ataxia, impaired intellectual development, and seizures. Last evaluated: 2022-09-19. Review status: criteria provided, single submitter. Criteria: ACMG Guidelines, 2015. Collection method: research. Allele origin: germline.

Literature cited by the submitters: PubMed 26593267 (cited by Labcorp Genetics (formerly Invitae), Labcorp).

NM_032730.5(RTN4IP1):c.59G>A (p.Trp20Ter)

Gene: RTN4IP1 (reticulon 4 interacting protein 1; minus strand). Cytogenetic location: 6q21.
Variant type: single nucleotide variant.
Coding change: c.59G>A on transcript NM_032730.5 (MANE Select); coding-DNA position 59, G replaced by A.
Protein change: p.Trp20Ter; replaces tryptophan 20 with a stop codon.
Molecular consequence: nonsense. On other transcripts: intron variant (1).
Genome position (GRCh38, 1-based): chr6:106,628,963, C>T on the plus strand (G>A on the coding strand, the complement: RTN4IP1 is on the minus strand). VCF-style: chr6-106628963-C-T. GRCh37 (hg19) VCF-style: chr6-107076838-C-T.
Other names: c.-27+1364G>A (NM_001318746.1); short protein forms W20*.
Identifiers: ClinVar variation 1405046 (VCV001405046.8), dbSNP rs763048901, ClinGen allele CA3944599.